The following is an entry in ClinVar:

NM_001129.5(AEBP1):c.2903A>G (p.Asn968Ser)

Gene: AEBP1 (AE binding protein 1; plus strand). Cytogenetic location: 7p13.
Variant type: single nucleotide variant.
Coding change: c.2903A>G on transcript NM_001129.5 (MANE Select); coding-DNA position 2903, A replaced by G.
Protein change: p.Asn968Ser; replaces asparagine 968 with serine.
Molecular consequence: missense variant.
Genome position (GRCh38, 1-based): chr7:44,113,687, A>G. VCF-style: chr7-44113687-A-G. GRCh37 (hg19) VCF-style: chr7-44153286-A-G.
Other names: short protein forms N968S.
Identifiers: ClinVar variation 4688299 (VCV004688299.1).

ClinVar aggregate classification (germline): Uncertain significance (1 of 4 stars; one submission).

gnomAD v4.1: 2 of 1,614,030 alleles (0.00012%); highest among the groups gnomAD compares: Non-Finnish European, 0.00017%; no homozygotes.

Submission:

Women's Health and Genetics/Laboratory Corporation of America, LabCorp
Classification: Uncertain significance. Last evaluated: 2025-12-15. Review status: criteria provided, single submitter. Criteria: LabCorp Variant Classification Summary - May 2015. Collection method: clinical testing. Allele origin: germline.
Comment: Variant summary: AEBP1 c.2903A>G (p.Asn968Ser) results in a conservative amino acid change in the encoded protein sequence. Algorithms developed to predict the effect of missense changes on protein structure and function all suggest that this variant is likely to be tolerated. The variant was absent in 251294 control chromosomes. The available data on variant occurrences in the general population are insufficient to allow any conclusion about variant significance. To our knowledge, no occurrence of c.2903A>G in individuals affected with AEBP1-related conditions and no experimental evidence demonstrating its impact on protein function have been reported. No submitters have cited clinical-significance assessments for this variant to ClinVar. Based on the evidence outlined above, the variant was classified as uncertain significance.